The following is an entry in ClinVar:

NM_000540.3(RYR1):c.5098G>A (p.Ala1700Thr)

Gene: RYR1 (ryanodine receptor 1; plus strand). Cytogenetic location: 19q13.2.
Variant type: single nucleotide variant.
Coding change: c.5098G>A on transcript NM_000540.3 (MANE Select); coding-DNA position 5098, G replaced by A.
Protein change: p.Ala1700Thr; replaces alanine 1700 with threonine.
Molecular consequence: missense variant.
Genome position (GRCh38, 1-based): chr19:38,485,753, G>A. VCF-style: chr19-38485753-G-A. GRCh37 (hg19) VCF-style: chr19-38976393-G-A.
Other names: c.5098G>A, p.Ala1700Thr (NM_001042723.2); short protein forms A1700T.
Identifiers: ClinVar variation 1004737 (VCV001004737.7), dbSNP rs751849934, ClinGen allele CA066671.
Genomic context (GRCh38, chr19:38,485,753, plus strand): 5'-GTGGCGCACGCTCTGTGCAGCCACGTAGACCAAGCTCAGCTGCTGCACGCCCTGGAGGAC[G>A]CGCACCTGCCAGGCCCACTGCGCGCAGGCTACTATGACCTCCTCATCAGCATCCACCTCG-3'
Protein context (NP_000531.2, residues 1690-1710): QAQLLHALED[Ala1700Thr]HLPGPLRAGY

ClinVar aggregate classification (germline): Uncertain significance (1 of 4 stars; one submission).

Conditions:
RYR1-related disorder. Also called: RYR1-related condition; RYR1-related disorders. Identifiers: MedGen CN239331.

Allele frequency attached by ClinVar (database versions not stated): ExAC 0.00001; gnomAD 0.00001; gnomAD exomes 0.00001; TOPMed 0.00001.
gnomAD v4.1: 10 of 1,612,826 alleles (0.00062%); highest among the groups gnomAD compares: South Asian, 0.0011%; no homozygotes.

Submission:

Labcorp Genetics (formerly Invitae), Labcorp
Classification: Uncertain significance for RYR1-related disorder. Last evaluated: 2022-02-05. Review status: criteria provided, single submitter. Criteria: Invitae Variant Classification Sherloc (09022015). Collection method: clinical testing. Allele origin: germline.
Comment: This variant is present in population databases (rs751849934, gnomAD 0.003%). This sequence change replaces alanine, which is neutral and non-polar, with threonine, which is neutral and polar, at codon 1700 of the RYR1 protein (p.Ala1700Thr). This variant has not been reported in the literature in individuals affected with RYR1-related conditions. In summary, the available evidence is currently insufficient to determine the role of this variant in disease. Therefore, it has been classified as a Variant of Uncertain Significance. Advanced modeling of protein sequence and biophysical properties (such as structural, functional, and spatial information, amino acid conservation, physicochemical variation, residue mobility, and thermodynamic stability) performed at Invitae indicates that this missense variant is not expected to disrupt RYR1 protein function. ClinVar contains an entry for this variant (Variation ID: 1004737).